The following is an entry in ClinVar:

ClinVar aggregate classification (germline): Pathogenic (1 of 4 stars; one submission).

Submission:

Labcorp Genetics (formerly Invitae), Labcorp
Classification: Pathogenic. Last evaluated: 2022-04-08. Review status: criteria provided, single submitter. Criteria: Invitae Variant Classification Sherloc (09022015). Collection method: clinical testing. Allele origin: germline.
Comment: This variant is a gross deletion of the genomic region encompassing exon(s) 5-13 of the USH2A gene. This variant would be expected to be in-frame, preserving the integrity of the reading frame. A similar copy number variant has been observed in individual(s) with Usher syndrome (PMID: 25352746). This variant disrupts a region of the USH2A protein in which other variant(s) (p.Cys536Arg) have been determined to be pathogenic (PMID: 10909849, 28559085). This suggests that this is a clinically significant region of the protein, and that variants that disrupt it are likely to be disease-causing. For these reasons, this variant has been classified as Pathogenic.

Literature cited by the submitters: PubMed 25352746; PubMed 10909849; PubMed 28559085.

NC_000001.10:g.(?_216419917)_(216501006_?)del

Gene: USH2A (usherin; minus strand). Cytogenetic location: 1q41.
Variant type: Deletion.
Identifiers: ClinVar variation 2427745 (VCV002427745.4).